The following is an entry in ClinVar:

ClinVar aggregate classification (germline): Likely pathogenic (1 of 4 stars; one submission).

Submission:

GeneDx
Classification: Likely pathogenic. Last evaluated: 2016-09-02. Review status: criteria provided, single submitter. Criteria: GeneDx Variant Classification (06012015). Collection method: clinical testing. Allele origin: germline. Affected: yes.
Comment: The C199X variant in the FOXP3 gene has not been reported previously as a pathogenic variant nor as a benign variant, to our knowledge. This variant is predicted to cause loss of normal protein function either through protein truncation or nonsense-mediated mRNA decay. The C199X variant was not observed in approximately 6,500 individuals of European and African American ancestry in the NHLBI Exome Sequencing Project, indicating it is not a common benign variant in these populations. We interpret C199X as a strong candidate for a pathogenic variant; however, the possibility that this is a rare benign variant cannot be excluded.

NM_014009.4(FOXP3):c.597C>A (p.Cys199Ter)

Gene: FOXP3 (forkhead box P3; minus strand). Cytogenetic location: Xp11.23.
Variant type: single nucleotide variant.
Coding change: c.597C>A on transcript NM_014009.4 (MANE Select); coding-DNA position 597, C replaced by A.
Protein change: p.Cys199Ter; replaces cysteine 199 with a stop codon.
Molecular consequence: nonsense.
Genome position (GRCh38, 1-based): chrX:49,256,801, G>T on the plus strand (C>A on the coding strand, the complement: FOXP3 is on the minus strand). VCF-style: chrX-49256801-G-T. GRCh37 (hg19) VCF-style: chrX-49113258-G-T.
Other names: c.492C>A, p.Cys164Ter (NM_001114377.2); short protein forms C199*, C164*.
Identifiers: ClinVar variation 422011 (VCV000422011.2), dbSNP rs782377881, ClinGen allele CA16621430.
Genomic context (GRCh38, chrX:49,256,801, plus strand): 5'-GGCCACTCACTTGAGGAAGTCCTCTGGCTCTTCGAAGACCTTCTCACATCCGGGCCACTT[G>T]CAGACACCATTTGCCAGCAGTGGGTAGGAGCTCTGGGGCACAGCCGAAAGGGTGCTGGGG-3'